The following is an entry in ClinVar:

ClinVar aggregate classification (germline): Uncertain significance. Review status: criteria provided, multiple submitters, no conflicts (2 of 4 stars). 2 submissions from 2 submitters: Uncertain significance (2). Last evaluated 2022-09-23.

Conditions:
Mucopolysaccharidosis, MPS-III-A (MPS3A). Also called: mucopolysaccharidosis type 3A; MPS IIIA (Sanfilippo Syndrome Type A); HEPARAN SULFATE SULFATASE DEFICIENCY; MUCOPOLYSACCHARIDOSIS, TYPE IIIA, ATTENUATED; Mucopolysaccharidosis type IIIA (Sanfilippo A); Mucopolysaccharidosis, type IIIA. Identifiers: Orphanet 581, Orphanet 79269, MedGen C0086647, MONDO:0009655, OMIM 252900.

Submissions (2):

Labcorp Genetics (formerly Invitae), Labcorp
Classification: Uncertain significance for Mucopolysaccharidosis, MPS-III-A. Last evaluated: 2022-09-23. Review status: criteria provided, single submitter. Criteria: Invitae Variant Classification Sherloc (09022015). Collection method: clinical testing. Allele origin: germline.
Comment: In summary, the available evidence is currently insufficient to determine the role of this variant in disease. Therefore, it has been classified as a Variant of Uncertain Significance. Advanced modeling of protein sequence and biophysical properties (such as structural, functional, and spatial information, amino acid conservation, physicochemical variation, residue mobility, and thermodynamic stability) performed at Invitae indicates that this missense variant is expected to disrupt SGSH protein function. ClinVar contains an entry for this variant (Variation ID: 1000753). This missense change has been observed in individual(s) with clinical features of mucopolysaccharidosis IIIA (Invitae). This variant is not present in population databases (gnomAD no frequency). This sequence change replaces leucine, which is neutral and non-polar, with proline, which is neutral and non-polar, at codon 468 of the SGSH protein (p.Leu468Pro).

Genome-Nilou Lab
Classification: Uncertain significance for Mucopolysaccharidosis, MPS-III-A. Last evaluated: 2021-11-07. Review status: criteria provided, single submitter. Criteria: ACMG Guidelines, 2015. Collection method: clinical testing. Allele origin: germline. Affected: no.

NM_000199.5(SGSH):c.1403T>C (p.Leu468Pro)

Gene: SGSH (N-sulfoglucosamine sulfohydrolase; minus strand). Cytogenetic location: 17q25.3.
Variant type: single nucleotide variant.
Coding change: c.1403T>C on transcript NM_000199.5 (MANE Select); coding-DNA position 1403, T replaced by C.
Protein change: p.Leu468Pro; replaces leucine 468 with proline.
Molecular consequence: missense variant. On other transcripts: 3 prime UTR variant (2), non-coding transcript variant (1).
Genome position (GRCh38, 1-based): chr17:80,210,558, A>G on the plus strand (T>C on the coding strand, the complement: SGSH is on the minus strand). VCF-style: chr17-80210558-A-G. GRCh37 (hg19) VCF-style: chr17-78184357-A-G.
Other names: c.*490T>C (NM_001352921.3); c.*453T>C (NM_001352922.2); short protein forms L468P.
Identifiers: ClinVar variation 1000753 (VCV001000753.10), dbSNP rs2041599125, ClinGen allele CA401358511.
Genomic context (GRCh38, chr17:80,210,558, plus strand): 5'-TCCAGGACGCCGTCGGGGGCGCACACCCAGGGGTCGTGGGTCTCCCACTGCCACTTGGCC[A>G]GCTGGTCCCGAAGCATCTCCAGAAGCTGAGCAAAGCGCGGGTCGGTGGCCAGGTTCTGGG-3'
Protein context (NP_000190.1, residues 458-478): AQLLEMLRDQ[Leu468Pro]AKWQWETHDP